The following is an entry in ClinVar:

NM_014251.3(SLC25A13):c.615+8G>A

Gene: SLC25A13 (solute carrier family 25 member 13; minus strand). Cytogenetic location: 7q21.3.
Variant type: single nucleotide variant.
Coding change: c.615+8G>A on transcript NM_014251.3 (MANE Select); 8 bases into the intron after coding-DNA position 615, G replaced by A.
Molecular consequence: intron variant.
Genome position (GRCh38, 1-based): chr7:96,193,029, C>T on the plus strand (G>A on the coding strand, the complement: SLC25A13 is on the minus strand). VCF-style: chr7-96193029-C-T. GRCh37 (hg19) VCF-style: chr7-95822341-C-T.
Other names: c.615+8G>A (NM_001160210.2, NM_014251.2).
Identifiers: ClinVar variation 1132198 (VCV001132198.10), dbSNP rs557575818, ClinGen allele CA162996803.

ClinVar aggregate classification (germline): Likely benign. Review status: criteria provided, multiple submitters, no conflicts (2 of 4 stars). 2 submissions from 2 submitters: Likely benign (2). Last evaluated 2025-02-19.

Conditions:
Citrin deficiency. Identifiers: Orphanet 247582, MedGen C1997910, MONDO:0016602.
SLC25A13-related disorder. Also called: SLC25A13-related condition.

Allele frequency attached by ClinVar (database versions not stated): gnomAD 0.00004 and 0.00005; 1000 Genomes Project 30x 0.00016; 1000 Genomes Project 0.00020.
gnomAD v4.1: 53 of 1,613,756 alleles (0.0033%); highest among the groups gnomAD compares: Middle Eastern, 0.017%; no homozygotes.

Submissions (2):

PreventionGenetics, part of Exact Sciences
Classification: Likely benign for SLC25A13-related condition. Last evaluated: 2025-02-19. Review status: criteria provided, single submitter. Criteria: ACMG Guidelines, 2015. Collection method: clinical testing. Allele origin: germline.
Comment: This variant is classified as likely benign based on ACMG/AMP sequence variant interpretation guidelines (Richards et al. 2015 PMID: 25741868, with internal and published modifications).

Labcorp Genetics (formerly Invitae), Labcorp
Classification: Likely benign for Citrin deficiency. Last evaluated: 2024-02-24. Review status: criteria provided, single submitter. Criteria: Invitae Variant Classification Sherloc (09022015). Collection method: clinical testing. Allele origin: germline.